The following is an entry in ClinVar:

ClinVar aggregate classification (germline): Uncertain significance (1 of 4 stars; one submission).

Submission:

Labcorp Genetics (formerly Invitae), Labcorp
Classification: Uncertain significance. Last evaluated: 2025-06-15. Review status: criteria provided, single submitter. Criteria: Invitae Variant Classification Sherloc (09022015). Collection method: clinical testing. Allele origin: germline.
Comment: This sequence change replaces alanine, which is neutral and non-polar, with threonine, which is neutral and polar, at codon 643 of the VPS13C protein (p.Ala643Thr). This variant is not present in population databases (gnomAD no frequency). This variant has not been reported in the literature in individuals affected with VPS13C-related conditions. Invitae Evidence Modeling of protein sequence and biophysical properties (such as structural, functional, and spatial information, amino acid conservation, physicochemical variation, residue mobility, and thermodynamic stability) has been performed for this missense variant. However, the output from this modeling did not meet the statistical confidence thresholds required to predict the impact of this variant on VPS13C protein function. In summary, the available evidence is currently insufficient to determine the role of this variant in disease. Therefore, it has been classified as a Variant of Uncertain Significance.

NM_020821.3(VPS13C):c.1927G>A (p.Ala643Thr)

Gene: VPS13C (vacuolar protein sorting 13 homolog C; minus strand). Cytogenetic location: 15q22.2.
Variant type: single nucleotide variant.
Coding change: c.1927G>A on transcript NM_020821.3 (MANE Select); coding-DNA position 1927, G replaced by A.
Protein change: p.Ala643Thr; replaces alanine 643 with threonine.
Molecular consequence: missense variant.
Genome position (GRCh38, 1-based): chr15:61,982,561, C>T on the plus strand (G>A on the coding strand, the complement: VPS13C is on the minus strand). VCF-style: chr15-61982561-C-T. GRCh37 (hg19) VCF-style: chr15-62274760-C-T.
Other names: c.1927G>A, p.Ala643Thr (NM_001018088.3); c.1798G>A, p.Ala600Thr (NM_017684.5, NM_018080.4); short protein forms A600T, A643T.
Identifiers: ClinVar variation 4742573 (VCV004742573.1).